The following is an entry in ClinVar:

ClinVar aggregate classification (germline): Uncertain significance (1 of 4 stars; one submission).

Conditions:
Hereditary cancer-predisposing syndrome. Also called: Neoplastic Syndromes, Hereditary; Tumor predisposition; Hereditary Cancer Syndrome; Hereditary neoplastic syndrome. Identifiers: Orphanet 140162, MedGen C0027672, MeSH D009386, MONDO:0015356.

Submission:

Ambry Genetics
Classification: Uncertain significance for Hereditary cancer-predisposing syndrome. Last evaluated: 2025-10-10. Review status: criteria provided, single submitter. Criteria: Ambry Variant Classification Scheme 2023. Collection method: clinical testing. Allele origin: germline.
Comment: The p.H9N variant (also known as c.25C>A), located in coding exon 1 of the MITF gene, results from a C to A substitution at nucleotide position 25. The histidine at codon 9 is replaced by asparagine, an amino acid with similar properties. This amino acid position is conserved. In addition, this alteration is predicted to be tolerated by in silico analysis. Based on the available evidence, the clinical significance of this variant remains unclear.

NM_000248.4(MITF):c.25C>A (p.His9Asn)

Gene: MITF (melanocyte inducing transcription factor; plus strand). Cytogenetic location: 3p13.
Variant type: single nucleotide variant.
Coding change: c.25C>A on transcript NM_000248.4 (MANE Plus Clinical); coding-DNA position 25, C replaced by A.
Protein change: p.His9Asn; replaces histidine 9 with asparagine.
Molecular consequence: missense variant. On other transcripts: intron variant (9).
Genome position (GRCh38, 1-based): chr3:69,936,747, C>A. VCF-style: chr3-69936747-C-A. GRCh37 (hg19) VCF-style: chr3-69985898-C-A.
Other names: c.25C>A, p.His9Asn (NM_001184968.2, NM_198158.3, NM_198178.3); c.304-1075C>A (NM_001354607.2); c.199-1075C>A (NM_001354608.2, NM_001184967.2); c.355-1075C>A (NM_001354604.2, NM_198159.3); c.352-1075C>A (NM_001354605.2, NM_001354606.2, NM_006722.3); c.307-1075C>A (NM_198177.3); short protein forms H9N.
Identifiers: ClinVar variation 4648627 (VCV004648627.1).
Genomic context (GRCh38, chr3:69,936,747, plus strand): 5'-GTCTCTCACTGGATTGGTGCCACCTAAAACATTGTTATGCTGGAAATGCTAGAATATAAT[C>A]ACTATCAGGTGAGATTTATTCTGACTCATATTCAGTCTTTGAAATATAATGCAATAAATT-3'
Protein context (NP_000239.1, residues 1-19): MLEMLEYN[His9Asn]YQVQTHLENP